The following is an entry in ClinVar:

NM_001292034.3(TAB2):c.283A>C (p.Ser95Arg)

Gene: TAB2 (TGF-beta activated kinase 1 (MAP3K7) binding protein 2; plus strand). Cytogenetic location: 6q25.1.
Variant type: single nucleotide variant.
Coding change: c.283A>C on transcript NM_001292034.3 (MANE Select); coding-DNA position 283, A replaced by C.
Protein change: p.Ser95Arg; replaces serine 95 with arginine.
Molecular consequence: missense variant.
Genome position (GRCh38, 1-based): chr6:149,378,198, A>C. VCF-style: chr6-149378198-A-C. GRCh37 (hg19) VCF-style: chr6-149699334-A-C.
Other names: c.187A>C, p.Ser63Arg (NM_001292035.3); c.283A>C, p.Ser95Arg (NM_001369506.1, NM_015093.6); short protein forms S63R, S95R.
Identifiers: ClinVar variation 3622859 (VCV003622859.2).

ClinVar aggregate classification (germline): Uncertain significance (1 of 4 stars; one submission).

Submission:

Labcorp Genetics (formerly Invitae), Labcorp
Classification: Uncertain significance. Last evaluated: 2024-10-07. Review status: criteria provided, single submitter. Criteria: Invitae Variant Classification Sherloc (09022015). Collection method: clinical testing. Allele origin: germline.
Comment: This sequence change replaces serine, which is neutral and polar, with arginine, which is basic and polar, at codon 95 of the TAB2 protein (p.Ser95Arg). This variant is not present in population databases (gnomAD no frequency). This variant has not been reported in the literature in individuals affected with TAB2-related conditions. Invitae Evidence Modeling of protein sequence and biophysical properties (such as structural, functional, and spatial information, amino acid conservation, physicochemical variation, residue mobility, and thermodynamic stability) indicates that this missense variant is not expected to disrupt TAB2 protein function with a negative predictive value of 80%. In summary, the available evidence is currently insufficient to determine the role of this variant in disease. Therefore, it has been classified as a Variant of Uncertain Significance.